The following is an entry in ClinVar:

ClinVar aggregate classification (germline): Uncertain significance (1 of 4 stars; one submission).

Conditions:
Branchiootorenal syndrome 2 (BOR2). Identifiers: Orphanet 107, MedGen C1970479, MONDO:0012575, OMIM 610896.

Submission:

Laboratorio de Genetica e Diagnostico Molecular, Hospital Israelita Albert Einstein
Classification: Uncertain significance for Branchiootorenal syndrome 2. Last evaluated: 2024-08-01. Review status: criteria provided, single submitter. Criteria: ACMG Guidelines, 2015. Collection method: clinical testing. Allele origin: germline. Affected: yes.
Comment: ACMG classification criteria: PM2 supporting, BP4 supporting

NM_175875.5(SIX5):c.1990G>T (p.Val664Phe)

Gene: SIX5 (SIX homeobox 5; minus strand). Cytogenetic location: 19q13.32.
Variant type: single nucleotide variant.
Coding change: c.1990G>T on transcript NM_175875.5 (MANE Select); coding-DNA position 1990, G replaced by T.
Protein change: p.Val664Phe; replaces valine 664 with phenylalanine.
Molecular consequence: missense variant.
Genome position (GRCh38, 1-based): chr19:45,765,731, C>A on the plus strand (G>T on the coding strand, the complement: SIX5 is on the minus strand). VCF-style: chr19-45765731-C-A. GRCh37 (hg19) VCF-style: chr19-46268989-C-A.
Other names: short protein forms V664F.
Identifiers: ClinVar variation 4076172 (VCV004076172.1).